The following is an entry in ClinVar:

NM_001364905.1(LRBA):c.6401G>A (p.Arg2134His)

Gene: LRBA (LPS responsive beige-like anchor protein; minus strand). Cytogenetic location: 4q31.3.
Variant type: single nucleotide variant.
Coding change: c.6401G>A on transcript NM_001364905.1 (MANE Select); coding-DNA position 6401, G replaced by A.
Protein change: p.Arg2134His; replaces arginine 2134 with histidine.
Molecular consequence: missense variant.
Genome position (GRCh38, 1-based): chr4:150,490,965, C>T on the plus strand (G>A on the coding strand, the complement: LRBA is on the minus strand). VCF-style: chr4-150490965-C-T. GRCh37 (hg19) VCF-style: chr4-151412117-C-T.
Other names: c.6401G>A, p.Arg2134His (NM_001199282.3, NM_001367550.1); c.6434G>A, p.Arg2145His (NM_006726.5); short protein forms R2134H, R2145H.
Identifiers: ClinVar variation 1358490 (VCV001358490.6), dbSNP rs1487487615, ClinGen allele CA358607437.

ClinVar aggregate classification (germline): Uncertain significance (1 of 4 stars; one submission).

Conditions:
Combined immunodeficiency due to LRBA deficiency. Also called: Common variable immunodeficiency 8, with autoimmunity. Identifiers: Orphanet 445018, MedGen C3553512, MONDO:0013863, OMIM 614700.

Allele frequency attached by ClinVar (database versions not stated): gnomAD 0.00001; TOPMed 0.00002.
gnomAD v4.1: 19 of 1,609,434 alleles (0.0012%); highest among the groups gnomAD compares: East Asian, 0.022%; 1 homozygote.

Submission:

Labcorp Genetics (formerly Invitae), Labcorp
Classification: Uncertain significance for Combined immunodeficiency due to LRBA deficiency. Last evaluated: 2022-02-08. Review status: criteria provided, single submitter. Criteria: Invitae Variant Classification Sherloc (09022015). Collection method: clinical testing. Allele origin: germline.
Comment: In summary, the available evidence is currently insufficient to determine the role of this variant in disease. Therefore, it has been classified as a Variant of Uncertain Significance. Algorithms developed to predict the effect of missense changes on protein structure and function are either unavailable or do not agree on the potential impact of this missense change (SIFT: "Deleterious"; PolyPhen-2: "Probably Damaging"; Align-GVGD: "Class C0"). This variant has not been reported in the literature in individuals affected with LRBA-related conditions. This variant is not present in population databases (gnomAD no frequency). This sequence change replaces arginine, which is basic and polar, with histidine, which is basic and polar, at codon 2145 of the LRBA protein (p.Arg2145His).